The following is an entry in ClinVar:

NM_002049.4(GATA1):c.121_128del (p.Leu41fs)

Gene: GATA1 (GATA binding protein 1; plus strand). Cytogenetic location: Xp11.23.
Variant type: Deletion.
Coding change: c.121_128del on transcript NM_002049.4 (MANE Select); coding-DNA positions 121 to 128, 8 bases deleted (TTGGATGC; older notation c.121_128delTTGGATGC).
Protein change: p.Leu41fs; shifts the reading frame from leucine 41.
Molecular consequence: frameshift variant.
Genome position (GRCh38, 1-based): chrX:48,791,230-48,791,237, TTGGATGC deleted; deleting any 8 consecutive bases within chrX:48,791,228-48,791,237 gives the same sequence; the c. name uses the placement nearest the transcript's 3' end. VCF-style (leftmost placement, unchanged base first): chrX-48791227-GGCTTGGAT-G. GRCh37 (hg19) VCF-style: chrX-48649634-GGCTTGGAT-G.
Other names: short protein forms L41fs.
Identifiers: ClinVar variation 4875114 (VCV004875114.2).

ClinVar aggregate classification (germline): Likely pathogenic (1 of 4 stars; one submission).

Submission:

CeGaT Center for Human Genetics Tuebingen
Classification: Likely pathogenic. Last evaluated: 2026-05-01. Review status: criteria provided, single submitter. Criteria: CeGaT Center For Human Genetics Tuebingen Variant Classification Criteria Version 2. Collection method: clinical testing. Allele origin: germline. Affected: yes. Observed: 1 variant allele.
Comment: GATA1: PVS1:Strong, PM2, PS2:Moderate